The following is an entry in ClinVar:

ClinVar aggregate classification (germline): Uncertain significance (1 of 4 stars; one submission).

Allele frequency attached by ClinVar (database versions not stated): gnomAD 0.00001; gnomAD exomes 0.00001; TOPMed 0.00001.
gnomAD v4.1: 13 of 1,614,052 alleles (0.00081%); highest among the groups gnomAD compares: Non-Finnish European, 0.0011%; no homozygotes.

Submission:

Labcorp Genetics (formerly Invitae), Labcorp
Classification: Uncertain significance. Last evaluated: 2022-03-19. Review status: criteria provided, single submitter. Criteria: Invitae Variant Classification Sherloc (09022015). Collection method: clinical testing. Allele origin: germline.
Comment: In summary, the available evidence is currently insufficient to determine the role of this variant in disease. Therefore, it has been classified as a Variant of Uncertain Significance. Algorithms developed to predict the effect of missense changes on protein structure and function are either unavailable or do not agree on the potential impact of this missense change (SIFT: "Not Available"; PolyPhen-2: "Benign"; Align-GVGD: "Not Available"). This variant has not been reported in the literature in individuals affected with TRAPPC9-related conditions. The frequency data for this variant in the population databases is considered unreliable, as metrics indicate poor data quality at this position in the gnomAD database. This sequence change replaces methionine, which is neutral and non-polar, with valine, which is neutral and non-polar, at codon 316 of the TRAPPC9 protein (p.Met316Val).

NM_001160372.4(TRAPPC9):c.652A>G (p.Met218Val)

Gene: TRAPPC9 (trafficking protein particle complex subunit 9; minus strand). Cytogenetic location: 8q24.3.
Variant type: single nucleotide variant.
Coding change: c.652A>G on transcript NM_001160372.4 (MANE Select); coding-DNA position 652, A replaced by G.
Protein change: p.Met218Val; replaces methionine 218 with valine.
Molecular consequence: missense variant. On other transcripts: non-coding transcript variant (1).
Genome position (GRCh38, 1-based): chr8:140,439,130, T>C on the plus strand (A>G on the coding strand, the complement: TRAPPC9 is on the minus strand). VCF-style: chr8-140439130-T-C. GRCh37 (hg19) VCF-style: chr8-141449229-T-C.
Other names: c.652A>G, p.Met218Val (NM_001321646.2, NM_001374683.1, NM_001374684.1 and 1 more transcripts); c.673A>G, p.Met225Val (NM_001374682.1); short protein forms M225V, M218V.
Identifiers: ClinVar variation 2023034 (VCV002023034.4), dbSNP rs1309219812, ClinGen allele CA372317679.